The following is an entry in ClinVar:

NM_001318895.3(FHL2):c.236C>G (p.Pro79Arg)

Genes: C2orf49 (chromosome 2 open reading frame 49; plus strand), FHL2 (four and a half LIM domains 2; minus strand). Cytogenetic location: 2q12.2.
Variant type: single nucleotide variant.
Coding change: c.236C>G on transcript NM_001318895.3 (MANE Select); coding-DNA position 236, C replaced by G.
Protein change: p.Pro79Arg; replaces proline 79 with arginine.
Molecular consequence: missense variant. On other transcripts: 5 prime UTR variant (1), intron variant (2).
Genome position (GRCh38, 1-based): chr2:105,373,654, G>C on the plus strand (C>G on the coding strand, the complement: FHL2 is on the minus strand). VCF-style: chr2-105373654-G-C. GRCh37 (hg19) VCF-style: chr2-105990111-G-C.
Other names: c.236C>G, p.Pro79Arg (NM_001039492.3, NM_001318894.1, NM_001318896.2 and 4 more transcripts); c.-89C>G (NM_001318899.2); c.-11-5915C>G (NM_001318897.2, NM_001318898.2); short protein forms P79R.
Identifiers: ClinVar variation 3677553 (VCV003677553.2).

ClinVar aggregate classification (germline): Uncertain significance (1 of 4 stars; one submission).

Conditions:
Primary dilated cardiomyopathy (DCM). Also called: Dilated Cardiomyopathy. Identifiers: Orphanet 217604, MedGen C0007193, MeSH D002311, MONDO:0005021, HP:0001644. Inheritance: Various modes of inheritance.

gnomAD v4.1: 4 of 1,614,052 alleles (0.00025%); highest among the groups gnomAD compares: African/African-American, 0.0053%; no homozygotes.

Submission:

Labcorp Genetics (formerly Invitae), Labcorp
Classification: Uncertain significance for Primary dilated cardiomyopathy. Last evaluated: 2024-12-20. Review status: criteria provided, single submitter. Criteria: Invitae Variant Classification Sherloc (09022015). Collection method: clinical testing. Allele origin: germline.
Comment: This sequence change replaces proline, which is neutral and non-polar, with arginine, which is basic and polar, at codon 79 of the FHL2 protein (p.Pro79Arg). This variant is present in population databases (rs751868181, gnomAD 0.007%). This variant has not been reported in the literature in individuals affected with FHL2-related conditions. Invitae Evidence Modeling of protein sequence and biophysical properties (such as structural, functional, and spatial information, amino acid conservation, physicochemical variation, residue mobility, and thermodynamic stability) indicates that this missense variant is not expected to disrupt FHL2 protein function with a negative predictive value of 80%. In summary, the available evidence is currently insufficient to determine the role of this variant in disease. Therefore, it has been classified as a Variant of Uncertain Significance.